The following is an entry in ClinVar:

ClinVar aggregate classification (germline): Pathogenic/Likely pathogenic. Review status: criteria provided, multiple submitters, no conflicts (2 of 4 stars). 2 submissions from 2 submitters: Pathogenic (1); Likely pathogenic (1). Last evaluated 2026-07-07.

Conditions:
Hereditary cancer-predisposing syndrome. Also called: Tumor predisposition; Hereditary Cancer Syndrome; Hereditary neoplastic syndrome; Neoplastic Syndromes, Hereditary. Identifiers: Orphanet 140162, MedGen C0027672, MeSH D009386, MONDO:0015356.
Multiple endocrine neoplasia, type 1 (MEN1). Also called: MEA I; WERMER SYNDROME; MEN I; Endocrine adenomatosis multiple; MEN 1. Identifiers: Orphanet 652, MedGen C0025267, MeSH D018761, MONDO:0007540, OMIM 131100.

Submissions (2):

Ambry Genetics
Classification: Pathogenic for Hereditary cancer-predisposing syndrome. Last evaluated: 2026-07-07. Review status: criteria provided, single submitter. Criteria: Ambry Variant Classification Scheme 2023. Collection method: clinical testing. Allele origin: germline.
Comment: The c.1063delC pathogenic mutation, located in coding exon 7 of the MEN1 gene, results from a deletion of one nucleotide at nucleotide position 1063, causing a translational frameshift with a predicted alternate stop codon (p.R355Gfs*13). This variant was reported in individual(s) with features consistent with multiple endocrine neoplasia type 1 (Ambry internal data). This variant is considered to be rare based on population cohorts in the Genome Aggregation Database (gnomAD). This alteration is expected to result in loss of function by premature protein truncation or nonsense-mediated mRNA decay. As such, this alteration is interpreted as a disease-causing mutation.

Women's Health and Genetics/Laboratory Corporation of America, LabCorp
Classification: Likely pathogenic for Multiple Endocrine Neoplasia Type 1. Last evaluated: 2011-08-18. Review status: criteria provided, single submitter. Criteria: LabCorp Variant Classification Summary - May 2015. Collection method: curation, clinical testing. Allele origin: germline. Inheritance: autosomal unknown. Affected: yes.
ClinVar note: Converted during submission from likely pathogenic to Likely pathogenic.

NM_001370259.2(MEN1):c.1063del (p.Arg355fs)

Gene: MEN1 (menin 1; minus strand). Cytogenetic location: 11q13.1.
Variant type: Deletion.
Coding change: c.1063del on transcript NM_001370259.2 (MANE Select); coding-DNA position 1063, one base deleted (C; older notation c.1063delC).
Protein change: p.Arg355fs; shifts the reading frame from arginine 355.
Molecular consequence: frameshift variant.
Genome position (GRCh38, 1-based): chr11:64,805,757, G deleted on the plus strand (C on the coding strand, the reverse complement: MEN1 is on the minus strand); the first of 2 consecutive G bases (chr11:64,805,757-64,805,758); deleting either gives the same sequence. VCF-style (leftmost placement, unchanged base first): chr11-64805756-CG-C. GRCh37 (hg19) VCF-style: chr11-64573228-CG-C.
Other names: c.1078delC (NM_000244.3); c.1063delC (NM_130799.2); c.1078del, p.Arg360fs (NM_000244.4, NM_130800.3, NM_130801.3 and 3 more transcripts); c.1189del, p.Arg397fs (NM_001370251.2); c.1063del, p.Arg355fs (NM_001370260.2, NM_001370261.2, NM_130799.3); c.958del, p.Arg320fs (NM_001370262.2, NM_001370263.2); short protein forms R397fs, R320fs, R355fs, R360fs.
Identifiers: ClinVar variation 36520 (VCV000036520.5), dbSNP rs386134246, ClinGen allele CA009011.
Genomic context (GRCh38, chr11:64,805,756, plus strand): 5'-AGGTTGGGGATGACATCATTGGCTACTTCAAAGAACTCCTTGTAGATCTCCTCGTCTTCC[CG>C]GCAGTAGTTGTAGCTGTGAGAGCAGTGGGGTCTCTGTAGGGTCTGAAGGGGTCTCACCAT-3'